The following is an entry in ClinVar:

NM_144670.6(A2ML1):c.2125G>A (p.Gly709Ser)

Gene: A2ML1 (alpha-2-macroglobulin like 1; plus strand). Cytogenetic location: 12p13.31.
Variant type: single nucleotide variant.
Coding change: c.2125G>A on transcript NM_144670.6 (MANE Select); coding-DNA position 2125, G replaced by A.
Protein change: p.Gly709Ser; replaces glycine 709 with serine.
Molecular consequence: missense variant.
Genome position (GRCh38, 1-based): chr12:8,850,165, G>A. VCF-style: chr12-8850165-G-A. GRCh37 (hg19) VCF-style: chr12-9002761-G-A.
Other names: c.652G>A, p.Gly218Ser (NM_001282424.3); short protein forms G218S, G709S.
Identifiers: ClinVar variation 1415637 (VCV001415637.9), dbSNP rs765592950, ClinGen allele CA6435921.
Genomic context (GRCh38, chr12:8,850,165, plus strand): 5'-GTCACAACAAGAAGTCTCCTGTTTCCTAAAGTTTTCGTATTCTCAATTTCATCAGCAGGC[G>A]GTGGTCATCCAGAGGCTTTTGAGTCATCAACTCCTTTACATCAAGCAGAGGATTCTCAGG-3'
Protein context (NP_653271.3, residues 699-719): PEYSTAMGAG[Gly709Ser]GHPEAFESST

ClinVar aggregate classification (germline): Uncertain significance. Review status: criteria provided, multiple submitters, no conflicts (2 of 4 stars). 2 submissions from 2 submitters: Uncertain significance (2). Last evaluated 2025-08-12.

Allele frequency attached by ClinVar (database versions not stated): ExAC 0.00002; gnomAD exomes 0.00002; TOPMed 0.00003; gnomAD 0.00005.
gnomAD v4.1: 50 of 1,602,564 alleles (0.0031%); highest among the groups gnomAD compares: Middle Eastern, 0.017%; no homozygotes.

Submissions (2):

Ambry Genetics
Classification: Uncertain significance. Last evaluated: 2025-08-12. Review status: criteria provided, single submitter. Criteria: Ambry Variant Classification Scheme 2023. Collection method: clinical testing. Allele origin: germline.

Labcorp Genetics (formerly Invitae), Labcorp
Classification: Uncertain significance. Last evaluated: 2025-07-29. Review status: criteria provided, single submitter. Criteria: Invitae Variant Classification Sherloc (09022015). Collection method: clinical testing. Allele origin: germline.
Comment: This sequence change replaces glycine, which is neutral and non-polar, with serine, which is neutral and polar, at codon 709 of the A2ML1 protein (p.Gly709Ser). This variant is present in population databases (rs765592950, gnomAD 0.004%). This variant has not been reported in the literature in individuals affected with A2ML1-related conditions. ClinVar contains an entry for this variant (Variation ID: 1415637). An algorithm developed to predict the effect of missense changes on protein structure and function (PolyPhen-2) suggests that this variant is likely to be tolerated. In summary, the available evidence is currently insufficient to determine the role of this variant in disease. Therefore, it has been classified as a Variant of Uncertain Significance.